The following is an entry in ClinVar:

NM_182493.3(MYLK3):c.1963A>G (p.Ile655Val)

Gene: MYLK3 (myosin light chain kinase 3; minus strand). Cytogenetic location: 16q11.2.
Variant type: single nucleotide variant.
Coding change: c.1963A>G on transcript NM_182493.3 (MANE Select); coding-DNA position 1963, A replaced by G.
Protein change: p.Ile655Val; replaces isoleucine 655 with valine.
Molecular consequence: missense variant.
Genome position (GRCh38, 1-based): chr16:46,721,145, T>C on the plus strand (A>G on the coding strand, the complement: MYLK3 is on the minus strand). VCF-style: chr16-46721145-T-C. GRCh37 (hg19) VCF-style: chr16-46755057-T-C.
Other names: c.940A>G, p.Ile314Val (NM_001308301.1); c.1963A>G (NM_182493.2); short protein forms I314V, I655V.
Identifiers: ClinVar variation 1488850 (VCV001488850.9), dbSNP rs778677889, ClinGen allele CA8037781.

ClinVar aggregate classification (germline): Uncertain significance. Review status: criteria provided, multiple submitters, no conflicts (2 of 4 stars). 2 submissions from 2 submitters: Uncertain significance (2). Last evaluated 2024-07-17.

Allele frequency attached by ClinVar (database versions not stated): TOPMed below 0.00001; gnomAD 0.00001.
gnomAD v4.1: 7 of 1,613,988 alleles (0.00043%); highest among the groups gnomAD compares: Non-Finnish European, 0.00059%; no homozygotes.

Submissions (2):

Ambry Genetics
Classification: Uncertain significance. Last evaluated: 2024-07-17. Review status: criteria provided, single submitter. Criteria: Ambry Variant Classification Scheme 2023. Collection method: clinical testing. Allele origin: germline.

Labcorp Genetics (formerly Invitae), Labcorp
Classification: Uncertain significance. Last evaluated: 2024-06-13. Review status: criteria provided, single submitter. Criteria: Invitae Variant Classification Sherloc (09022015). Collection method: clinical testing. Allele origin: germline.
Comment: This sequence change replaces isoleucine, which is neutral and non-polar, with valine, which is neutral and non-polar, at codon 655 of the MYLK3 protein (p.Ile655Val). This variant is present in population databases (rs778677889, gnomAD 0.002%). This variant has not been reported in the literature in individuals affected with MYLK3-related conditions. ClinVar contains an entry for this variant (Variation ID: 1488850). An algorithm developed to predict the effect of missense changes on protein structure and function (PolyPhen-2) suggests that this variant is likely to be disruptive. In summary, the available evidence is currently insufficient to determine the role of this variant in disease. Therefore, it has been classified as a Variant of Uncertain Significance.